The following is an entry in ClinVar:

NM_014946.4(SPAST):c.683-561G>A

Gene: SPAST (spastin; plus strand). Cytogenetic location: 2p22.3.
Variant type: single nucleotide variant.
Coding change: c.683-561G>A on transcript NM_014946.4 (MANE Select); 561 bases into the intron before coding-DNA position 683, G replaced by A.
Molecular consequence: intron variant.
Genome position (GRCh38, 1-based): chr2:32,114,077, G>A. VCF-style: chr2-32114077-G-A. GRCh37 (hg19) VCF-style: chr2-32339146-G-A.
Other names: c.587-561G>A (NM_199436.2, NM_001377959.1); c.680-561G>A (NM_001363823.2); c.584-561G>A (NM_001363875.2).
Identifiers: ClinVar variation 3777948 (VCV003777948.7).
Genomic context (GRCh38, chr2:32,114,077, plus strand): 5'-CACTTCAACCTCTGACTCCGTGGTTCAAGCAATTCTCCTGCCTCAGCCTCCCAGGTAGCT[G>A]GGATTACAGGCACAAATACTGTTTTTAATAAGAAAATTAGAATAGGGACAGGCACAATGG-3'

ClinVar aggregate classification (germline): Benign (1 of 4 stars; one submission).

gnomAD v4.1: 1,202 of 152,128 alleles (0.79%); highest among the groups gnomAD compares: Non-Finnish European, 1.2%; 5 homozygotes.

Submission:

CeGaT Center for Human Genetics Tuebingen
Classification: Benign. Last evaluated: 2026-08-01. Review status: criteria provided, single submitter. Criteria: CeGaT Center For Human Genetics Tuebingen Variant Classification Criteria Version 2. Collection method: clinical testing. Allele origin: germline. Affected: yes. Observed: 17 variant alleles.
Comment: SPAST: BS1, BS2